The following is an entry in ClinVar:

ClinVar aggregate classification (germline): Uncertain significance (1 of 4 stars; one submission).

Submission:

CeGaT Center for Human Genetics Tuebingen
Classification: Uncertain significance. Last evaluated: 2023-03-01. Review status: criteria provided, single submitter. Criteria: CeGaT Center For Human Genetics Tuebingen Variant Classification Criteria Version 2. Collection method: clinical testing. Allele origin: germline. Affected: yes. Observed: 1 variant allele.
Comment: GLRA4: PM2, PP3

NR_164162.1(GLRA4):n.1112T>C

Variant type: single nucleotide variant.
Molecular consequence: non-coding transcript variant (on NR_164162.1).
Genome position: GRCh38 VCF-style: chrX-103719170-A-G. GRCh37 (hg19) VCF-style: chrX-102974098-A-G.
Identifiers: ClinVar variation 2661102 (VCV002661102.23), dbSNP rs375610145, ClinGen allele CA333995691.